The following is an entry in ClinVar:

ClinVar aggregate classification (germline): Uncertain significance. Review status: criteria provided, multiple submitters, no conflicts (2 of 4 stars). 2 submissions from 2 submitters: Uncertain significance (2). Last evaluated 2023-06-04.

Allele frequency attached by ClinVar (database versions not stated): gnomAD exomes below 0.00001.
gnomAD v4.1: 1 of 1,588,914 alleles (0.000063%); highest among the groups gnomAD compares: Non-Finnish European, 0.000085%; no homozygotes.

Submissions (2):

Labcorp Genetics (formerly Invitae), Labcorp
Classification: Uncertain significance. Last evaluated: 2023-06-04. Review status: criteria provided, single submitter. Criteria: Invitae Variant Classification Sherloc (09022015). Collection method: clinical testing. Allele origin: germline.
Comment: In summary, the available evidence is currently insufficient to determine the role of this variant in disease. Therefore, it has been classified as a Variant of Uncertain Significance. Advanced modeling of protein sequence and biophysical properties (such as structural, functional, and spatial information, amino acid conservation, physicochemical variation, residue mobility, and thermodynamic stability) performed at Invitae indicates that this missense variant is expected to disrupt TCF3 protein function. This variant has not been reported in the literature in individuals affected with TCF3-related conditions. This variant is not present in population databases (gnomAD no frequency). This sequence change replaces alanine, which is neutral and non-polar, with glycine, which is neutral and non-polar, at codon 400 of the TCF3 protein (p.Ala400Gly).

Blueprint Genetics
Classification: Uncertain significance. Last evaluated: 2020-09-28. Review status: criteria provided, single submitter. Criteria: ACMG Guidelines, 2015. Collection method: clinical testing. Allele origin: germline.

NM_003200.5(TCF3):c.1199C>G (p.Ala400Gly)

Gene: TCF3 (transcription factor 3; minus strand). Cytogenetic location: 19p13.3.
Variant type: single nucleotide variant.
Coding change: c.1199C>G on transcript NM_003200.5 (MANE Select); coding-DNA position 1199, C replaced by G.
Protein change: p.Ala400Gly; replaces alanine 400 with glycine.
Molecular consequence: missense variant.
Genome position (GRCh38, 1-based): chr19:1,619,443, G>C on the plus strand (C>G on the coding strand, the complement: TCF3 is on the minus strand). VCF-style: chr19-1619443-G-C. GRCh37 (hg19) VCF-style: chr19-1619442-G-C.
Other names: c.1199C>G, p.Ala400Gly (NM_001136139.4, NM_001351779.2); c.1196C>G, p.Ala399Gly (NM_001351778.2); short protein forms A400G, A399G.
Identifiers: ClinVar variation 2838416 (VCV002838416.4), dbSNP rs1003354497, ClinGen allele CA403053400.